The following is an entry in ClinVar:

ClinVar aggregate classification (germline): Uncertain significance (1 of 4 stars; one submission).

Submission:

Labcorp Genetics (formerly Invitae), Labcorp
Classification: Uncertain significance. Last evaluated: 2025-02-28. Review status: criteria provided, single submitter. Criteria: Invitae Variant Classification Sherloc (09022015). Collection method: clinical testing. Allele origin: germline.
Comment: This sequence change replaces arginine, which is basic and polar, with glycine, which is neutral and non-polar, at codon 682 of the POLA1 protein (p.Arg682Gly). This variant is not present in population databases (gnomAD no frequency). This variant has not been reported in the literature in individuals affected with POLA1-related conditions. Invitae Evidence Modeling of protein sequence and biophysical properties (such as structural, functional, and spatial information, amino acid conservation, physicochemical variation, residue mobility, and thermodynamic stability) indicates that this missense variant is not expected to disrupt POLA1 protein function with a negative predictive value of 80%. In summary, the available evidence is currently insufficient to determine the role of this variant in disease. Therefore, it has been classified as a Variant of Uncertain Significance.

NM_001330360.2(POLA1):c.2062A>G (p.Arg688Gly)

Gene: POLA1 (DNA polymerase alpha 1, catalytic subunit; plus strand). Cytogenetic location: Xp22.11.
Variant type: single nucleotide variant.
Coding change: c.2062A>G on transcript NM_001330360.2 (MANE Select); coding-DNA position 2062, A replaced by G.
Protein change: p.Arg688Gly; replaces arginine 688 with glycine.
Molecular consequence: missense variant.
Genome position (GRCh38, 1-based): chrX:24,739,396, A>G. VCF-style: chrX-24739396-A-G. GRCh37 (hg19) VCF-style: chrX-24757513-A-G.
Other names: c.1987A>G, p.Arg663Gly (NM_001378303.1); c.2062A>G, p.Arg688Gly (NM_001440806.1); c.2044A>G, p.Arg682Gly (NM_016937.4); short protein forms R682G, R663G, R688G.
Identifiers: ClinVar variation 4771728 (VCV004771728.1).